The following is an entry in ClinVar:

NM_006440.5(TXNRD2):c.1016A>T (p.Gln339Leu)

Gene: TXNRD2 (thioredoxin reductase 2; minus strand). Cytogenetic location: 22q11.21.
Variant type: single nucleotide variant.
Coding change: c.1016A>T on transcript NM_006440.5 (MANE Select); coding-DNA position 1016, A replaced by T.
Protein change: p.Gln339Leu; replaces glutamine 339 with leucine.
Molecular consequence: missense variant. On other transcripts: non-coding transcript variant (1).
Genome position (GRCh38, 1-based): chr22:19,883,395, T>A on the plus strand (A>T on the coding strand, the complement: TXNRD2 is on the minus strand). VCF-style: chr22-19883395-T-A. GRCh37 (hg19) VCF-style: chr22-19870918-T-A.
Other names: c.1013A>T, p.Gln338Leu (NM_001352300.2); c.926A>T, p.Gln309Leu (NM_001352301.2); c.728A>T, p.Gln243Leu (NM_001352302.2); short protein forms Q339L, Q338L, Q243L, Q309L.
Identifiers: ClinVar variation 449798 (VCV000449798.22), dbSNP rs200606822, ClinGen allele CA10103864.

ClinVar aggregate classification (germline): Conflicting classifications of pathogenicity. Review status: criteria provided, conflicting classifications (1 of 4 stars). 6 submissions from 6 submitters: Uncertain significance (1); Likely benign (4). 1 of the submissions does not count toward it. Last evaluated 2026-04-27.

Conditions:
TXNRD2-related disorder. Also called: TXNRD2-related condition.
Glucocorticoid deficiency 5. Identifiers: MedGen C4540522, MONDO:0040502, OMIM 617825.
Cardiovascular phenotype. Identifiers: MedGen CN230736.
Primary dilated cardiomyopathy (DCM). Also called: Dilated Cardiomyopathy. Identifiers: Orphanet 217604, MedGen C0007193, MeSH D002311, MONDO:0005021, HP:0001644. Inheritance: Various modes of inheritance.

Allele frequency attached by ClinVar (database versions not stated): gnomAD exomes 0.00009 and 0.00022; ExAC 0.00030; 1000 Genomes Project 30x 0.00031; 1000 Genomes Project 0.00040; ESP Exome Variant Server 0.00082; gnomAD 0.00098 and 0.00106; TOPMed 0.00112.
gnomAD v4.1: 281 of 1,614,096 alleles (0.017%); highest among the groups gnomAD compares: African/African-American, 0.35%; no homozygotes.

Submissions (6):

Clinical Genomics Laboratory, Washington University in St. Louis
Classification: Uncertain significance for Glucocorticoid deficiency 5. Last evaluated: 2026-04-27. Review status: criteria provided, single submitter. Criteria: ACMG Guidelines, 2015. Collection method: clinical testing. Allele origin: germline.
Comment: A TXNRD2 c.1016A>T (p.Gln339Leu) variant was identified in a heterozygous state. This variant, to our knowledge, has not been reported in the medical literature. It has been reported in the ClinVar database as a germline likely benign variant by several submitters (Variation ID: 449798). It is observed in 88/280,894 alleles in the general population (gnomAD v2.1.1). Computational predictors suggest that the variant does not impact TXNRD2 function. The clinical significance of this variant is uncertain.

Labcorp Genetics (formerly Invitae), Labcorp
Classification: Likely benign for Primary dilated cardiomyopathy. Last evaluated: 2026-01-21. Review status: criteria provided, single submitter. Criteria: Invitae Variant Classification Sherloc (09022015). Collection method: clinical testing. Allele origin: germline.

GeneDx
Classification: Likely benign. Last evaluated: 2020-03-16. Review status: criteria provided, single submitter. Criteria: GeneDx Variant Classification Process June 2021. Collection method: clinical testing. Allele origin: germline. Affected: yes.
Comment: In silico analysis, which includes protein predictors and evolutionary conservation, supports that this variant does not alter protein structure/function

Ambry Genetics
Classification: Likely benign for Cardiovascular phenotype. Last evaluated: 2018-09-18. Review status: criteria provided, single submitter. Criteria: Ambry Variant Classification Scheme 2023. Collection method: clinical testing. Allele origin: germline.

Breakthrough Genomics
Classification: Likely benign. Review status: criteria provided, single submitter. Criteria: ACMG Guidelines, 2015. Collection method: not provided. Allele origin: germline. Inheritance: Autosomal recessive inheritance. Affected: yes.

PreventionGenetics, part of Exact Sciences
Classification: Likely benign for TXNRD2-related condition. Last evaluated: 2022-11-19. Review status: no assertion criteria provided. Collection method: clinical testing. Allele origin: germline. Not counted in ClinVar's aggregate classification.
Comment: This variant is classified as likely benign based on ACMG/AMP sequence variant interpretation guidelines (Richards et al. 2015 PMID: 25741868, with internal and published modifications).